The following is an entry in ClinVar:

ClinVar aggregate classification (germline): Uncertain significance (1 of 4 stars; one submission).

Submission:

GeneDx
Classification: Uncertain significance. Last evaluated: 2022-05-25. Review status: criteria provided, single submitter. Criteria: GeneDx Variant Classification Process June 2021. Collection method: clinical testing. Allele origin: germline. Affected: yes.
Comment: Not observed at significant frequency in large population cohorts (gnomAD); In silico analysis supports that this missense variant has a deleterious effect on protein structure/function; Has not been previously published as pathogenic or benign to our knowledge

NM_001323289.2(CDKL5):c.1832A>G (p.His611Arg)

Gene: CDKL5 (cyclin dependent kinase like 5; plus strand). Cytogenetic location: Xp22.13.
Variant type: single nucleotide variant.
Coding change: c.1832A>G on transcript NM_001323289.2 (MANE Select); coding-DNA position 1832, A replaced by G.
Protein change: p.His611Arg; replaces histidine 611 with arginine.
Molecular consequence: missense variant.
Genome position (GRCh38, 1-based): chrX:18,604,756, A>G. VCF-style: chrX-18604756-A-G. GRCh37 (hg19) VCF-style: chrX-18622876-A-G.
Other names: c.1832A>G, p.His611Arg (NM_001037343.2, NM_003159.3); short protein forms H611R.
Identifiers: ClinVar variation 1803435 (VCV001803435.1), dbSNP rs2518875555, ClinGen allele CA412363062.
Genomic context (GRCh38, chrX:18,604,756, plus strand): 5'-CTTTTTCTTATGGACTGGGCTACACCAGCCCCTTTTCTTCCCAGCAACGTCCTCATAGGC[A>G]TTCTATGTATGTGACCCGTGACAAAGTGAGAGCCAAGGGCTTGGATGGAAGCTTGAGCAT-3'
Protein context (NP_001310218.1, residues 601-621): PFSSQQRPHR[His611Arg]SMYVTRDKVR